The following is an entry in ClinVar:

ClinVar aggregate classification (germline): Likely benign (0 of 4 stars; one submission).

Conditions:
HOXA4-related disorder. Also called: HOXA4-related condition.

Allele frequency attached by ClinVar (database versions not stated): gnomAD exomes 0.00012; 1000 Genomes Project 0.00040; 1000 Genomes Project 30x 0.00078; gnomAD 0.00145.
gnomAD v4.1: 340 of 1,093,770 alleles (0.031%); highest among the groups gnomAD compares: African/African-American, 0.52%; 2 homozygotes.

Submission:

PreventionGenetics, part of Exact Sciences
Classification: Likely benign for HOXA4-related condition. Last evaluated: 2021-09-09. Review status: no assertion criteria provided. Collection method: clinical testing. Allele origin: germline.
Comment: This variant is classified as likely benign based on ACMG/AMP sequence variant interpretation guidelines (Richards et al. 2015 PMID: 25741868, with internal and published modifications).

NM_002141.5(HOXA4):c.414C>G (p.Pro138=)

Genes: HOXA3 (homeobox A3; minus strand), HOXA4 (homeobox A4; minus strand). Cytogenetic location: 7p15.2.
Variant type: single nucleotide variant.
Coding change: c.414C>G on transcript NM_002141.5 (MANE Select); coding-DNA position 414, C replaced by G.
Protein change: p.Pro138=; no amino-acid change (proline 138 retained).
Molecular consequence: synonymous variant. On other transcripts: intron variant (7).
Genome position (GRCh38, 1-based): chr7:27,130,320, G>C on the plus strand (C>G on the coding strand, the complement: HOXA4 is on the minus strand). VCF-style: chr7-27130320-G-C. GRCh37 (hg19) VCF-style: chr7-27169939-G-C.
Other names: c.-389-3250C>G (NM_153631.3, NM_001384340.1); c.-505-3250C>G (NM_001384335.1, NM_001384339.1); c.-204-7678C>G (NM_001384336.1, NM_001384338.1); c.-677-3250C>G (NM_001384337.1).
Identifiers: ClinVar variation 3052841 (VCV003052841.2), dbSNP rs540982908, ClinGen allele CA155933267.